The following is an entry in ClinVar:

ClinVar aggregate classification (germline): Likely pathogenic (1 of 4 stars; one submission).

Conditions:
Autosomal recessive polycystic kidney disease (ARPKD). Also called: AR polycystic kidney disease. Identifiers: Orphanet 731, Orphanet 8378, MedGen C0085548, MeSH D017044, MONDO:0009889.

Submission:

Labcorp Genetics (formerly Invitae), Labcorp
Classification: Likely pathogenic for Autosomal recessive polycystic kidney disease. Last evaluated: 2026-01-03. Review status: criteria provided, single submitter. Criteria: Invitae Variant Classification Sherloc (09022015). Collection method: clinical testing. Allele origin: germline.
Comment: This sequence change replaces glycine, which is neutral and non-polar, with alanine, which is neutral and non-polar, at codon 2402 of the PKHD1 protein (p.Gly2402Ala). This variant is not present in population databases (gnomAD no frequency). This variant has not been reported in the literature in individuals affected with PKHD1-related conditions. Invitae Evidence Modeling of protein sequence and biophysical properties (such as structural, functional, and spatial information, amino acid conservation, physicochemical variation, residue mobility, and thermodynamic stability) indicates that this missense variant is expected to disrupt PKHD1 protein function with a positive predictive value of 95%. This variant disrupts the p.Gly2402 amino acid residue in PKHD1. Other variant(s) that disrupt this residue have been determined to be pathogenic (PMID: 34977057). This suggests that this residue is clinically significant, and that variants that disrupt this residue are likely to be disease-causing. In summary, the currently available evidence indicates that the variant is pathogenic, but additional data are needed to prove that conclusively. Therefore, this variant has been classified as Likely Pathogenic.

Literature cited by the submitters: PubMed 34977057.

NM_138694.4(PKHD1):c.7205G>C (p.Gly2402Ala)

Gene: PKHD1 (PKHD1 ciliary IPT domain containing fibrocystin/polyductin; minus strand). Cytogenetic location: 6p12.2.
Variant type: single nucleotide variant.
Coding change: c.7205G>C on transcript NM_138694.4 (MANE Select); coding-DNA position 7205, G replaced by C.
Protein change: p.Gly2402Ala; replaces glycine 2402 with alanine.
Molecular consequence: missense variant.
Genome position (GRCh38, 1-based): chr6:51,885,877, C>G on the plus strand (G>C on the coding strand, the complement: PKHD1 is on the minus strand). VCF-style: chr6-51885877-C-G. GRCh37 (hg19) VCF-style: chr6-51750675-C-G.
Other names: c.7205G>C, p.Gly2402Ala (NM_170724.3); short protein forms G2402A.
Identifiers: ClinVar variation 4801355 (VCV004801355.1).